The following is an entry in ClinVar:

ClinVar aggregate classification (germline): Benign. Review status: criteria provided, multiple submitters, no conflicts (2 of 4 stars). 3 submissions from 3 submitters: Benign (2). 1 of the submissions does not count toward it. Last evaluated 2026-02-04.

Conditions:
LRRK1-related disorder. Also called: LRRK1-related condition.

Allele frequency attached by ClinVar (database versions not stated): 1000 Genomes Project 0.08786; 1000 Genomes Project 30x 0.08932; TOPMed 0.11737; ESP Exome Variant Server 0.12938.
gnomAD v4.1: 218,396 of 1,613,728 alleles (14%); highest among the groups gnomAD compares: Non-Finnish European, 15%; 15,621 homozygotes.

Submissions (3):

Labcorp Genetics (formerly Invitae), Labcorp
Classification: Benign. Last evaluated: 2026-02-04. Review status: criteria provided, single submitter. Criteria: Invitae Variant Classification Sherloc (09022015). Collection method: clinical testing. Allele origin: germline.

Breakthrough Genomics
Classification: Benign. Review status: criteria provided, single submitter. Criteria: ACMG Guidelines, 2015. Collection method: not provided. Allele origin: germline. Inheritance: Autosomal recessive inheritance. Affected: yes.

PreventionGenetics, part of Exact Sciences
Classification: Benign for LRRK1-related condition. Last evaluated: 2019-10-31. Review status: no assertion criteria provided. Collection method: clinical testing. Allele origin: germline. Not counted in ClinVar's aggregate classification.
Comment: This variant is classified as benign based on ACMG/AMP sequence variant interpretation guidelines (Richards et al. 2015 PMID: 25741868, with internal and published modifications).

NM_024652.6(LRRK1):c.2487G>C (p.Val829=)

Genes: LRRK1 (leucine rich repeat kinase 1; plus strand), LOC126862255 (CDK7 strongly-dependent group 2 enhancer GRCh37_chr15:101567313-101568512; plus strand). Cytogenetic location: 15q26.3.
Variant type: single nucleotide variant.
Coding change: c.2487G>C on transcript NM_024652.6 (MANE Select); coding-DNA position 2487, G replaced by C.
Protein change: p.Val829=; no amino-acid change (valine 829 retained).
Molecular consequence: synonymous variant.
Genome position (GRCh38, 1-based): chr15:101,027,342, G>C. VCF-style: chr15-101027342-G-C. GRCh37 (hg19) VCF-style: chr15-101567547-G-C.
Other names: c.2487G>C (NM_024652.5).
Identifiers: ClinVar variation 1655883 (VCV001655883.11), dbSNP rs41319544, ClinGen allele CA7761253.